The following is an entry in ClinVar:

NM_014795.4(ZEB2):c.3469G>A (p.Asp1157Asn)

Gene: ZEB2 (zinc finger E-box binding homeobox 2; minus strand). Cytogenetic location: 2q22.3.
Variant type: single nucleotide variant.
Coding change: c.3469G>A on transcript NM_014795.4 (MANE Select); coding-DNA position 3469, G replaced by A.
Protein change: p.Asp1157Asn; replaces aspartic acid 1157 with asparagine.
Molecular consequence: missense variant.
Genome position (GRCh38, 1-based): chr2:144,389,627, C>T on the plus strand (G>A on the coding strand, the complement: ZEB2 is on the minus strand). VCF-style: chr2-144389627-C-T. GRCh37 (hg19) VCF-style: chr2-145147194-C-T.
Other names: c.3397G>A, p.Asp1133Asn (NM_001171653.2); short protein forms D1133N, D1157N.
Identifiers: ClinVar variation 805754 (VCV000805754.3), dbSNP rs1573707719, ClinGen allele CA348699237.

ClinVar aggregate classification (germline): Uncertain significance. Review status: criteria provided, multiple submitters, no conflicts (2 of 4 stars). 2 submissions from 2 submitters: Uncertain significance (2). Last evaluated 2024-06-09.

Conditions:
Mowat-Wilson syndrome (MOWS). Also called: Classic Mowat-Wilson Syndrome. Identifiers: Orphanet 2152, MedGen C1856113, MONDO:0009341, OMIM 235730.

gnomAD v4.1: 4 of 1,614,096 alleles (0.00025%); highest among the groups gnomAD compares: Non-Finnish European, 0.00034%; no homozygotes.

Submissions (2):

Labcorp Genetics (formerly Invitae), Labcorp
Classification: Uncertain significance for Mowat-Wilson syndrome. Last evaluated: 2024-06-09. Review status: criteria provided, single submitter. Criteria: Invitae Variant Classification Sherloc (09022015). Collection method: clinical testing. Allele origin: germline.
Comment: This sequence change replaces aspartic acid, which is acidic and polar, with asparagine, which is neutral and polar, at codon 1157 of the ZEB2 protein (p.Asp1157Asn). This variant is not present in population databases (gnomAD no frequency). This variant has not been reported in the literature in individuals affected with ZEB2-related conditions. ClinVar contains an entry for this variant (Variation ID: 805754). Advanced modeling of protein sequence and biophysical properties (such as structural, functional, and spatial information, amino acid conservation, physicochemical variation, residue mobility, and thermodynamic stability) performed at Invitae indicates that this missense variant is not expected to disrupt ZEB2 protein function with a negative predictive value of 80%. In summary, the available evidence is currently insufficient to determine the role of this variant in disease. Therefore, it has been classified as a Variant of Uncertain Significance.

Athena Diagnostics
Classification: Uncertain significance. Last evaluated: 2019-03-26. Review status: criteria provided, single submitter. Criteria: Athena Diagnostics Criteria. Collection method: clinical testing. Allele origin: germline.